The following is an entry in ClinVar:

ClinVar aggregate classification (germline): Benign. Review status: criteria provided, single submitter (1 of 4 stars). 2 submissions from 2 submitters: Benign (1). 1 of the submissions does not count toward it. Last evaluated 2026-01-08.

Conditions:
DIP2C-related disorder. Also called: DIP2C-related condition.

Allele frequency attached by ClinVar (database versions not stated): ESP Exome Variant Server 0.00008; gnomAD 0.00015 and 0.00016; 1000 Genomes Project 0.00020; 1000 Genomes Project 30x 0.00031; TOPMed 0.00044; ExAC 0.00063; gnomAD exomes 0.00079.
gnomAD v4.1: 284 of 1,614,178 alleles (0.018%); highest among the groups gnomAD compares: Admixed American, 0.37%; 1 homozygote.

Submissions (2):

Labcorp Genetics (formerly Invitae), Labcorp
Classification: Benign. Last evaluated: 2026-01-08. Review status: criteria provided, single submitter. Criteria: Invitae Variant Classification Sherloc (09022015). Collection method: clinical testing. Allele origin: germline.

PreventionGenetics, part of Exact Sciences
Classification: Likely benign for DIP2C-related condition. Last evaluated: 2019-07-01. Review status: no assertion criteria provided. Collection method: clinical testing. Allele origin: germline. Not counted in ClinVar's aggregate classification.
Comment: This variant is classified as likely benign based on ACMG/AMP sequence variant interpretation guidelines (Richards et al. 2015 PMID: 25741868, with internal and published modifications).

NM_014974.3(DIP2C):c.210C>T (p.Ser70=)

Gene: DIP2C (DIP2 acetate--CoA ligase C (putative); minus strand). Cytogenetic location: 10p15.3.
Variant type: single nucleotide variant.
Coding change: c.210C>T on transcript NM_014974.3 (MANE Select); coding-DNA position 210, C replaced by T.
Protein change: p.Ser70=; no amino-acid change (serine 70 retained).
Molecular consequence: synonymous variant.
Genome position (GRCh38, 1-based): chr10:472,497, G>A on the plus strand (C>T on the coding strand, the complement: DIP2C is on the minus strand). VCF-style: chr10-472497-G-A. GRCh37 (hg19) VCF-style: chr10-518437-G-A.
Other names: c.210C>T (NM_014974.2).
Identifiers: ClinVar variation 1534431 (VCV001534431.10), dbSNP rs148545889, ClinGen allele CA5381428.